The following is an entry in ClinVar:

NM_000271.5(NPC1):c.2454del (p.Arg819fs)

Gene: NPC1 (NPC intracellular cholesterol transporter 1; minus strand). Cytogenetic location: 18q11.2.
Variant type: Deletion.
Coding change: c.2454del on transcript NM_000271.5 (MANE Select); coding-DNA position 2454, one base deleted (T; older notation c.2454delT).
Protein change: p.Arg819fs; shifts the reading frame from arginine 819.
Molecular consequence: frameshift variant.
Genome position (GRCh38, 1-based): chr18:23,541,128, A deleted on the plus strand (T on the coding strand, the reverse complement: NPC1 is on the minus strand); the first of 3 consecutive A bases (chr18:23,541,128-23,541,130); deleting any one gives the same sequence. VCF-style (leftmost placement, unchanged base first): chr18-23541127-GA-G. GRCh37 (hg19) VCF-style: chr18-21121091-GA-G.
Other names: short protein forms R819fs.
Identifiers: ClinVar variation 5015053 (VCV005015053.1).

ClinVar aggregate classification (germline): Pathogenic (1 of 4 stars; one submission).

Conditions:
Niemann-Pick disease, type C1. Also called: NEUROVISCERAL STORAGE DISEASE WITH VERTICAL SUPRANUCLEAR OPHTHALMOPLEGIA; NIEMANN-PICK DISEASE WITH CHOLESTEROL ESTERIFICATION BLOCK; NIEMANN-PICK DISEASE WITHOUT SPHINGOMYELINASE DEFICIENCY; NIEMANN-PICK DISEASE, CHRONIC NEURONOPATHIC FORM; NIEMANN-PICK DISEASE, VARIANT TYPE C1. Identifiers: Orphanet 646, MedGen C3179455, MONDO:0009757, OMIM 257220.

Submission:

Myriad Genetics, Inc.
Classification: Pathogenic for Niemann-Pick disease, type C1. Last evaluated: 2025-10-05. Review status: criteria provided, single submitter. Criteria: Myriad Autosomal Dominant, Autosomal Recessive and X-Linked Classification Criteria (2023). Collection method: clinical testing. Allele origin: unknown.
Comment: NM_000271.4(NPC1):c.2454delT(R819Afs*12) is expected to be pathogenic in the context of Niemann-Pick disease type C1. This variant is predicted to lead to an abnormal or absent protein product due to the creation of a premature termination codon in NPC1, a gene where loss-of-function variants are known to be pathogenic. Please note: this variant was assessed in the context of healthy population screening.